The following is an entry in ClinVar:

ClinVar aggregate classification (germline): Likely benign. Review status: criteria provided, multiple submitters, no conflicts (2 of 4 stars). 3 submissions from 3 submitters: Likely benign (3). Last evaluated 2023-06-01.

Conditions:
Inborn genetic diseases. Identifiers: MedGen C0950123, MeSH D030342.

Allele frequency attached by ClinVar (database versions not stated): TOPMed below 0.00001; ExAC 0.00001; gnomAD 0.00001; gnomAD exomes 0.00001.
gnomAD v4.1: 11 of 1,614,060 alleles (0.00068%); highest among the groups gnomAD compares: African/African-American, 0.0013%; no homozygotes.

Submissions (3):

CeGaT Center for Human Genetics Tuebingen
Classification: Likely benign. Last evaluated: 2023-06-01. Review status: criteria provided, single submitter. Criteria: CeGaT Center For Human Genetics Tuebingen Variant Classification Criteria Version 2. Collection method: clinical testing. Allele origin: germline. Affected: yes. Observed: 1 variant allele.
Comment: ARID1B: BP4, BP7

Blueprint Genetics
Classification: Likely benign. Last evaluated: 2022-10-03. Review status: criteria provided, single submitter. Criteria: ACMG Guidelines, 2015. Collection method: clinical testing. Allele origin: germline.

Ambry Genetics
Classification: Likely benign for Inborn genetic diseases. Last evaluated: 2019-08-28. Review status: criteria provided, single submitter. Criteria: Ambry Variant Classification Scheme 2023. Collection method: clinical testing. Allele origin: germline.

NM_001374828.1(ARID1B):c.5649G>A (p.Lys1883=)

Gene: ARID1B (AT-rich interaction domain 1B; plus strand). Cytogenetic location: 6q25.3.
Variant type: single nucleotide variant.
Coding change: c.5649G>A on transcript NM_001374828.1 (MANE Select); coding-DNA position 5649, G replaced by A.
Protein change: p.Lys1883=; no amino-acid change (lysine 1883 retained).
Molecular consequence: synonymous variant.
Genome position (GRCh38, 1-based): chr6:157,206,421, G>A. VCF-style: chr6-157206421-G-A. GRCh37 (hg19) VCF-style: chr6-157527555-G-A.
Other names: c.5400G>A, p.Lys1800= (NM_001346813.1); c.3150G>A, p.Lys1050= (NM_001363725.2); c.5529G>A, p.Lys1843= (NM_001371656.1, NM_001374820.1); c.5490G>A, p.Lys1830= (NM_017519.3); c.5280G>A, p.Lys1760= (NM_020732.3); c.5067G>A, p.Lys1689= (NM_175863.2).
Identifiers: ClinVar variation 1746571 (VCV001746571.27), dbSNP rs755445588, ClinGen allele CA4067877.
Genomic context (GRCh38, chr6:157,206,421, plus strand): 5'-CGACGAGGAAGACGAGGAGGATGAGGAGGAAGACAGCGAGAAGACAGAAAGCGATGAAAA[G>A]AGCAGCATCGCTCTGACTGCCCCGGACGCCGCTGCAGACCCAAAGGAGAAGCCCAAGCAA-3'
Protein context (NP_001361757.1, residues 1873-1893): EDSEKTESDE[Lys1883=]SSIALTAPDA